The following is an entry in ClinVar:

NM_002546.4(TNFRSF11B):c.847C>T (p.Arg283Trp)

Gene: TNFRSF11B (TNF receptor superfamily member 11b; minus strand). Cytogenetic location: 8q24.12.
Variant type: single nucleotide variant.
Coding change: c.847C>T on transcript NM_002546.4 (MANE Select); coding-DNA position 847, C replaced by T.
Protein change: p.Arg283Trp; replaces arginine 283 with tryptophan.
Molecular consequence: missense variant.
Genome position (GRCh38, 1-based): chr8:118,924,733, G>A on the plus strand (C>T on the coding strand, the complement: TNFRSF11B is on the minus strand). VCF-style: chr8-118924733-G-A. GRCh37 (hg19) VCF-style: chr8-119936972-G-A.
Other names: short protein forms R283W.
Identifiers: ClinVar variation 3010894 (VCV003010894.3), dbSNP rs1284226568, ClinGen allele CA371919014.
Genomic context (GRCh38, chr8:118,924,733, plus strand): 5'-GTAAGCTTTCCATCAAGCTACGAAGCTGCTCGAAGGTGAGGTTAGCATGTCCAATGTGCC[G>A]CTGCACGCTGTTTTCACAGAGGTCAATATCTGCATAAAGCAAAAGCCCAGATAAGTGTTC-3'
Protein context (NP_002537.3, residues 273-293): DIDLCENSVQ[Arg283Trp]HIGHANLTFE

ClinVar aggregate classification (germline): Uncertain significance (1 of 4 stars; one submission).

Allele frequency attached by ClinVar (database versions not stated): TOPMed below 0.00001.

Submission:

Labcorp Genetics (formerly Invitae), Labcorp
Classification: Uncertain significance. Last evaluated: 2023-07-12. Review status: criteria provided, single submitter. Criteria: Invitae Variant Classification Sherloc (09022015). Collection method: clinical testing. Allele origin: germline.
Comment: This sequence change replaces arginine, which is basic and polar, with tryptophan, which is neutral and slightly polar, at codon 283 of the TNFRSF11B protein (p.Arg283Trp). The frequency data for this variant in the population databases is considered unreliable, as metrics indicate poor data quality at this position in the gnomAD database. In summary, the available evidence is currently insufficient to determine the role of this variant in disease. Therefore, it has been classified as a Variant of Uncertain Significance. Advanced modeling of protein sequence and biophysical properties (such as structural, functional, and spatial information, amino acid conservation, physicochemical variation, residue mobility, and thermodynamic stability) performed at Invitae indicates that this missense variant is not expected to disrupt TNFRSF11B protein function. This variant has not been reported in the literature in individuals affected with TNFRSF11B-related conditions.